The following is an entry in ClinVar:

NM_172245.4(CSF2RA):c.83G>A (p.Arg28Gln)

Gene: CSF2RA (colony stimulating factor 2 receptor subunit alpha; plus strand). Cytogenetic location: Xp22.33.
Variant type: single nucleotide variant.
Coding change: c.83G>A on transcript NM_172245.4 (MANE Select); coding-DNA position 83, G replaced by A.
Protein change: p.Arg28Gln; replaces arginine 28 with glutamine.
Molecular consequence: missense variant. On other transcripts: non-coding transcript variant (1), intron variant (1).
Genome position (GRCh38, 1-based): chrX:1,285,784, G>A. VCF-style: chrX-1285784-G-A. GRCh37 (hg19) VCF-style: chrX-1404677-G-A.
Other names: c.83G>A, p.Arg28Gln (NM_001161529.2, NM_001161530.2, NM_001161531.2 and 20 more transcripts); c.-180-2735G>A (NM_001161532.2); short protein forms R28Q.
Identifiers: ClinVar variation 860750 (VCV000860750.8), dbSNP rs764272709, ClinGen allele CA10330668.

ClinVar aggregate classification (germline): Uncertain significance (1 of 4 stars; one submission).

Conditions:
Surfactant metabolism dysfunction, pulmonary, 4 (SMDP4). Also called: PULMONARY ALVEOLAR PROTEINOSIS, CONGENITAL, 4; PAP DUE TO CSF2RA DEFICIENCY; CSF2RA DEFICIENCY. Identifiers: Orphanet 264675, MedGen C2677877, MONDO:0010424, OMIM 300770.

Allele frequency attached by ClinVar (database versions not stated): ExAC 0.00002; TOPMed 0.00002.
gnomAD v4.1: 57 of 1,607,346 alleles (0.0035%); highest among the groups gnomAD compares: East Asian, 0.0068%; no homozygotes.

Submission:

Labcorp Genetics (formerly Invitae), Labcorp
Classification: Uncertain significance for Surfactant metabolism dysfunction, pulmonary, 4. Last evaluated: 2022-08-16. Review status: criteria provided, single submitter. Criteria: Invitae Variant Classification Sherloc (09022015). Collection method: clinical testing. Allele origin: germline.
Comment: This sequence change replaces arginine, which is basic and polar, with glutamine, which is neutral and polar, at codon 28 of the CSF2RA protein (p.Arg28Gln). This variant is present in population databases (no rsID available, gnomAD 0.006%). This variant has not been reported in the literature in individuals affected with CSF2RA-related conditions. ClinVar contains an entry for this variant (Variation ID: 860750). Algorithms developed to predict the effect of missense changes on protein structure and function are either unavailable or do not agree on the potential impact of this missense change (SIFT: "Tolerated"; PolyPhen-2: "Not Available"; Align-GVGD: "Class C0"). In summary, the available evidence is currently insufficient to determine the role of this variant in disease. Therefore, it has been classified as a Variant of Uncertain Significance.